The following is an entry in ClinVar:

ClinVar aggregate classification (germline): Likely benign (1 of 4 stars; one submission).

Submission:

GeneDx
Classification: Likely benign. Last evaluated: 2018-06-16. Review status: criteria provided, single submitter. Criteria: GeneDx Variant Classification (06012015). Collection method: clinical testing. Allele origin: germline. Affected: yes.
Comment: This variant is considered likely benign or benign based on one or more of the following criteria: it is a conservative change, it occurs at a poorly conserved position in the protein, it is predicted to be benign by multiple in silico algorithms, and/or has population frequency not consistent with disease.

NM_182961.4(SYNE1):c.940-225dup

Gene: SYNE1 (spectrin repeat containing nuclear envelope protein 1; minus strand). Cytogenetic location: 6q25.2.
Variant type: Duplication.
Coding change: c.940-225dup on transcript NM_182961.4 (MANE Select); 225 bases into the intron before coding-DNA position 940, one base duplicated (A; older notation c.940-225dupA).
Molecular consequence: intron variant.
Genome position (GRCh38, 1-based): chr6:152,488,728, T duplicated on the plus strand (A on the coding strand, the reverse complement: SYNE1 is on the minus strand); the first of 10 consecutive T bases (chr6:152,488,728-152,488,737); duplicating any one gives the same sequence. VCF-style (leftmost placement, unchanged base first): chr6-152488727-A-AT. GRCh37 (hg19) VCF-style: chr6-152809862-A-AT.
Other names: c.961-225dup (NM_033071.5).
Identifiers: ClinVar variation 672221 (VCV000672221.1), dbSNP rs34808382, ClinGen allele CA150223396.